The following is an entry in ClinVar:

NM_004064.5(CDKN1B):c.85dup (p.Cys29fs)

Gene: CDKN1B (cyclin dependent kinase inhibitor 1B; plus strand). Cytogenetic location: 12p13.1.
Variant type: Duplication.
Coding change: c.85dup on transcript NM_004064.5 (MANE Select); coding-DNA position 85, one base duplicated (T; older notation c.85dupT).
Protein change: p.Cys29fs; shifts the reading frame from cysteine 29.
Molecular consequence: frameshift variant.
Genome position (GRCh38, 1-based): chr12:12,717,924, T duplicated. VCF-style (leftmost placement, unchanged base first): chr12-12717923-C-CT. GRCh37 (hg19) VCF-style: chr12-12870857-C-CT.
Other names: short protein forms C29fs.
Identifiers: ClinVar variation 4533068 (VCV004533068.2).

ClinVar aggregate classification (germline): Pathogenic/Likely pathogenic. Review status: criteria provided, multiple submitters, no conflicts (2 of 4 stars). 2 submissions from 2 submitters: Pathogenic (1); Likely pathogenic (1). Last evaluated 2025-12-08.

Conditions:
Multiple endocrine neoplasia type 4. Also called: MULTIPLE ENDOCRINE NEOPLASIA, TYPE IV. Identifiers: Orphanet 276152, MedGen C1970712, MONDO:0012552, OMIM 610755.

Submissions (2):

Labcorp Genetics (formerly Invitae), Labcorp
Classification: Pathogenic for Multiple endocrine neoplasia type 4. Last evaluated: 2025-12-08. Review status: criteria provided, single submitter. Criteria: Invitae Variant Classification Sherloc (09022015). Collection method: clinical testing. Allele origin: germline.
Comment: This sequence change creates a premature translational stop signal (p.Cys29Leufs*96) in the CDKN1B gene. It is expected to result in an absent or disrupted protein product. Loss-of-function variants in CDKN1B are known to be pathogenic (PMID: 17030811, 24819502). This variant is not present in population databases (gnomAD no frequency). This variant has not been reported in the literature in individuals affected with CDKN1B-related conditions. For these reasons, this variant has been classified as Pathogenic.

Quest Diagnostics Nichols Institute San Juan Capistrano
Classification: Likely pathogenic. Last evaluated: 2025-05-16. Review status: criteria provided, single submitter. Criteria: Quest Diagnostics criteria. Collection method: clinical testing. Allele origin: unknown.
Comment: The CDKN1B c.85dup (p.Cys29Leufs*96) variant has not been reported in individuals with CDKN1B-related conditions in the published literature. It also has not been reported in large, multi-ethnic general populations (Genome Aggregation Database). Based on the available information, this variant is classified as likely pathogenic.

Literature cited by the submitters: PubMed 17030811 (cited by Labcorp Genetics (formerly Invitae), Labcorp); PubMed 24819502 (cited by Labcorp Genetics (formerly Invitae), Labcorp).